The following is an entry in ClinVar:

ClinVar aggregate classification (germline): Uncertain significance (1 of 4 stars; one submission).

gnomAD v4.1: 2 of 1,533,698 alleles (0.00013%); highest among the groups gnomAD compares: East Asian, 0.0045%; no homozygotes.

Submission:

Labcorp Genetics (formerly Invitae), Labcorp
Classification: Uncertain significance. Last evaluated: 2025-03-19. Review status: criteria provided, single submitter. Criteria: Invitae Variant Classification Sherloc (09022015). Collection method: clinical testing. Allele origin: germline.
Comment: This sequence change replaces glutamine, which is neutral and polar, with proline, which is neutral and non-polar, at codon 147 of the ANXA11 protein (p.Gln147Pro). This variant is present in population databases (rs534734419, gnomAD 0.007%). This variant has not been reported in the literature in individuals affected with ANXA11-related conditions. Experimental studies and prediction algorithms are not available or were not evaluated, and the functional significance of this variant is currently unknown. In summary, the available evidence is currently insufficient to determine the role of this variant in disease. Therefore, it has been classified as a Variant of Uncertain Significance.

NM_145868.2(ANXA11):c.440A>C (p.Gln147Pro)

Gene: ANXA11 (annexin A11; minus strand). Cytogenetic location: 10q22.3.
Variant type: single nucleotide variant.
Coding change: c.440A>C on transcript NM_145868.2 (MANE Select); coding-DNA position 440, A replaced by C.
Protein change: p.Gln147Pro; replaces glutamine 147 with proline.
Molecular consequence: missense variant.
Genome position (GRCh38, 1-based): chr10:80,169,090, T>G on the plus strand (A>C on the coding strand, the complement: ANXA11 is on the minus strand). VCF-style: chr10-80169090-T-G. GRCh37 (hg19) VCF-style: chr10-81928846-T-G.
Other names: c.440A>C, p.Gln147Pro (NM_001157.3, NM_001278407.2, NM_001278408.2 and 1 more transcripts); c.341A>C, p.Gln114Pro (NM_001278409.2); short protein forms Q114P, Q147P.
Identifiers: ClinVar variation 4766959 (VCV004766959.1).
Genomic context (GRCh38, chr10:80,169,090, plus strand): 5'-ACTGGCTGCTGCTGCCCAGGGAGTGGCACTGGAGGCTGACCAGGGTAGGTCACTGGTGGC[T>G]GCCCAGGGTAGGCCCCTGGGGGCTGCTGTCCGGGGGGTGGCATGGGCTGGCCCGGCACAG-3'
Protein context (NP_665875.1, residues 137-157): GQQPPGAYPG[Gln147Pro]PPVTYPGQPP